The following is an entry in ClinVar:

NM_003601.4(SMARCA5):c.855del (p.Ser286fs)

Gene: SMARCA5 (SNF2 related chromatin remodeling ATPase 5; plus strand). Cytogenetic location: 4q31.21.
Variant type: Deletion.
Coding change: c.855del on transcript NM_003601.4 (MANE Select); coding-DNA position 855, one base deleted (A; older notation c.855delA).
Protein change: p.Ser286fs; shifts the reading frame from serine 286.
Molecular consequence: frameshift variant.
Genome position (GRCh38, 1-based): chr4:143,527,921, A deleted. VCF-style (leftmost placement, unchanged base first): chr4-143527920-CA-C. GRCh37 (hg19) VCF-style: chr4-144449073-CA-C.
Other names: c.855delA (NM_003601.4); short protein forms S286fs.
Identifiers: ClinVar variation 3338969 (VCV003338969.1).

ClinVar aggregate classification (germline): Pathogenic (1 of 4 stars; one submission).

Conditions:
SMARCA5-related disorder. Also called: SMARCA5-related condition; SMARCA5-Related Disorders.

Submission:

Women's Health and Genetics/Laboratory Corporation of America, LabCorp
Classification: Pathogenic for SMARCA5-Related Disorders. Last evaluated: 2024-07-10. Review status: criteria provided, single submitter. Criteria: LabCorp Variant Classification Summary - May 2015. Collection method: clinical testing. Allele origin: germline.
Comment: Variant summary: SMARCA5 c.855delA (p.Ser286LeufsX20) results in a premature termination codon, predicted to cause a truncation of the encoded protein or absence of the protein due to nonsense mediated decay, which are commonly known mechanisms for disease. The variant was absent in 241704 control chromosomes (gnomAD). To our knowledge, no occurrence of c.855delA in individuals affected with SMARCA5-related disorders and no experimental evidence demonstrating its impact on protein function have been reported. No submitters have cited clinical-significance assessments for this variant to ClinVar. Based on the evidence outlined above, the variant was classified as pathogenic.